The following is an entry in ClinVar:

ClinVar aggregate classification (germline): Likely benign. Review status: reviewed by expert panel (3 of 4 stars). 2 submissions from 2 submitters: Likely benign (1). 1 of the submissions does not count toward it. Last evaluated 2026-10-19.

Conditions:
Alexander disease (ALXDRD). Also called: Alexander's disease. Identifiers: Orphanet 58, MedGen C0270726, MONDO:0008752, OMIM 203450.

Allele frequency attached by ClinVar (database versions not stated): TOPMed below 0.00001; gnomAD 0.00001; gnomAD exomes 0.00002.
gnomAD v4.1: 29 of 1,609,252 alleles (0.0018%); highest among the groups gnomAD compares: Non-Finnish European, 0.0024%; no homozygotes.

Submissions (2):

ClinGen Leukodystrophy and Leukoencephalopathy Variant Curation Expert Panel, ClinGen
Classification: Likely benign for Alexander disease. Last evaluated: 2026-10-19. Review status: reviewed by expert panel. Criteria: ClinGen Leuko ACMG Specifications GFAP V1.0. Collection method: curation. Allele origin: germline. Inheritance: Autosomal dominant inheritance.
Comment: The c.113C>T variant in GFAP is a missense variant predicted to cause substitution of serine by phenylalanine at amino acid 38 (p.Ser38Phe). The Total GrpMax filtering allele frequency in gnomAD v4.1.1 is 0.00001650 from the European (non-Finnish) genetic ancestry group (the lower threshold of the 95% CI of 28/1176888 alleles), which is higher than the ClinGen Leukodystrophy and Leukoencephalopathy VCEP threshold (>0.00001) for BS1, and therefore meets this criterion (BS1). In summary, this variant meets the criteria to be classified as a likely benign variant for Alexander disease based on the ACMG/AMP criteria applied, as specified by the ClinGen Leukodystrophy and Leukoencephalopathy Expert Panel: BS1 (ClinGen Leukodystrophy and Leukoencephalopathy VCEP Specifications Version 1.0.0).

Labcorp Genetics (formerly Invitae), Labcorp
Classification: Uncertain significance. Last evaluated: 2021-12-15. Review status: criteria provided, single submitter. Criteria: Invitae Variant Classification Sherloc (09022015). Collection method: clinical testing. Allele origin: germline. Not counted in ClinVar's aggregate classification.
Comment: This missense change has been observed in at least one individual who was not affected with GFAP-related conditions (Invitae). Algorithms developed to predict the effect of missense changes on protein structure and function are either unavailable or do not agree on the potential impact of this missense change (SIFT: "Deleterious"; PolyPhen-2: "Benign"; Align-GVGD: "Class C15"). In summary, the available evidence is currently insufficient to determine the role of this variant in disease. Therefore, it has been classified as a Variant of Uncertain Significance. This variant has not been reported in the literature in individuals affected with GFAP-related conditions. This sequence change replaces serine, which is neutral and polar, with phenylalanine, which is neutral and non-polar, at codon 38 of the GFAP protein (p.Ser38Phe). This variant is present in population databases (no rsID available, gnomAD 0.005%).

NM_002055.5(GFAP):c.113C>T (p.Ser38Phe)

Gene: GFAP (glial fibrillary acidic protein; minus strand). Cytogenetic location: 17q21.31.
Variant type: single nucleotide variant.
Coding change: c.113C>T on transcript NM_002055.5 (MANE Select); coding-DNA position 113, C replaced by T.
Protein change: p.Ser38Phe; replaces serine 38 with phenylalanine.
Molecular consequence: missense variant.
Genome position (GRCh38, 1-based): chr17:44,915,374, G>A on the plus strand (C>T on the coding strand, the complement: GFAP is on the minus strand). VCF-style: chr17-44915374-G-A. GRCh37 (hg19) VCF-style: chr17-42992742-G-A.
Other names: NM_002055.5(GFAP):c.113C>T; p.Ser38Phe; c.113C>T, p.Ser38Phe (NM_001131019.3, NM_001242376.3, NM_001363846.2); short protein forms S38F.
Identifiers: ClinVar variation 1466016 (VCV001466016.7), dbSNP rs1455211354, ClinGen allele CA399849069.